The following is an entry in ClinVar:

NM_002691.4(POLD1):c.2443T>C (p.Ser815Pro)

Gene: POLD1 (DNA polymerase delta 1, catalytic subunit; plus strand). Cytogenetic location: 19q13.33.
Variant type: single nucleotide variant.
Coding change: c.2443T>C on transcript NM_002691.4 (MANE Select); coding-DNA position 2443, T replaced by C.
Protein change: p.Ser815Pro; replaces serine 815 with proline.
Molecular consequence: missense variant. On other transcripts: non-coding transcript variant (1).
Genome position (GRCh38, 1-based): chr19:50,414,869, T>C. VCF-style: chr19-50414869-T-C. GRCh37 (hg19) VCF-style: chr19-50918126-T-C.
Other names: c.2443T>C (NM_002691.2); c.2443T>C, p.Ser815Pro (NM_001256849.1); c.2521T>C, p.Ser841Pro (NM_001308632.1); short protein forms S841P, S815P.
Identifiers: ClinVar variation 850517 (VCV000850517.10), dbSNP rs1199740511, ClinGen allele CA406984737.

ClinVar aggregate classification (germline): Uncertain significance. Review status: criteria provided, multiple submitters, no conflicts (2 of 4 stars). 2 submissions from 2 submitters: Uncertain significance (2). Last evaluated 2025-08-31.

Conditions:
Hereditary cancer-predisposing syndrome. Also called: Tumor predisposition; Hereditary Cancer Syndrome; Hereditary neoplastic syndrome; Neoplastic Syndromes, Hereditary. Identifiers: Orphanet 140162, MedGen C0027672, MeSH D009386, MONDO:0015356.
POLD1-related polyposis and colorectal cancer syndrome (CRCS10). Also called: Colorectal cancer 10; COLORECTAL CANCER, SUSCEPTIBILITY TO, ON CHROMOSOME 19q; Colorectal cancer, susceptibility to, 10. Identifiers: Orphanet 220460, MedGen C2675481, MONDO:0012953, OMIM 612591.

Allele frequency attached by ClinVar (database versions not stated): TOPMed below 0.00001.

Submissions (2):

Ambry Genetics
Classification: Uncertain significance for Hereditary cancer-predisposing syndrome. Last evaluated: 2025-08-31. Review status: criteria provided, single submitter. Criteria: Ambry Variant Classification Scheme 2023. Collection method: clinical testing. Allele origin: germline.
Comment: The p.S815P variant (also known as c.2443T>C), located in coding exon 19 of the POLD1 gene, results from a T to C substitution at nucleotide position 2443. The serine at codon 815 is replaced by proline, an amino acid with similar properties. This amino acid position is conserved. In addition, this alteration is predicted to be tolerated by in silico analysis. Based on the available evidence, the clinical significance of this variant remains unclear.

Labcorp Genetics (formerly Invitae), Labcorp
Classification: Uncertain significance for POLD1-related polyposis and colorectal cancer syndrome. Last evaluated: 2025-07-30. Review status: criteria provided, single submitter. Criteria: Invitae Variant Classification Sherloc (09022015). Collection method: clinical testing. Allele origin: germline.
Comment: This sequence change replaces serine, which is neutral and polar, with proline, which is neutral and non-polar, at codon 815 of the POLD1 protein (p.Ser815Pro). This variant is not present in population databases (gnomAD no frequency). This variant has not been reported in the literature in individuals affected with POLD1-related conditions. ClinVar contains an entry for this variant (Variation ID: 850517). An algorithm developed to predict the effect of missense changes on protein structure and function outputs the following: PolyPhen-2: "Probably Damaging". The proline amino acid residue is found in multiple mammalian species, which suggests that this missense change does not adversely affect protein function. In summary, the available evidence is currently insufficient to determine the role of this variant in disease. Therefore, it has been classified as a Variant of Uncertain Significance.